The following is an entry in ClinVar:

NM_001142800.2(EYS):c.2055T>A (p.Cys685Ter)

Gene: EYS (EGF-like photoreceptor maintenance factor; minus strand). Cytogenetic location: 6q12.
Variant type: single nucleotide variant.
Coding change: c.2055T>A on transcript NM_001142800.2 (MANE Select); coding-DNA position 2055, T replaced by A.
Protein change: p.Cys685Ter; replaces cysteine 685 with a stop codon.
Molecular consequence: nonsense.
Genome position (GRCh38, 1-based): chr6:65,057,696, A>T on the plus strand (T>A on the coding strand, the complement: EYS is on the minus strand). VCF-style: chr6-65057696-A-T. GRCh37 (hg19) VCF-style: chr6-65767589-A-T.
Other names: c.2055T>A, p.Cys685Ter (NM_001292009.2); short protein forms C685*.
Identifiers: ClinVar variation 194194 (VCV000194194.57), dbSNP rs372354156, ClinGen allele CA274990.
Genomic context (GRCh38, chr6:65,057,696, plus strand): 5'-GCAGAAGTAATTACCAGGTTGGTCAATGCAGGTGGCTCCATTTTTGCAGGGATGTGAAGC[A>T]CACTCATCTATATCAATTTCACATTGCGTACCTTTGGAAAATAGGAAAAAAAAATGTTAA-3'

ClinVar aggregate classification (germline): Pathogenic/Likely pathogenic. Review status: criteria provided, multiple submitters, no conflicts (2 of 4 stars). 9 submissions from 9 submitters: Pathogenic (8); Likely pathogenic (1). Last evaluated 2025-06-16.

Conditions:
EYS-related disorder. Also called: EYS-related condition.
Retinitis pigmentosa (RP). Identifiers: Orphanet 791, MedGen C0035334, MeSH D012174, MONDO:0019200, OMIM 268000. Inheritance: Autosomal dominant, autosomal recessive and X linked inheritance.
Retinitis pigmentosa 25 (RP25). Identifiers: Orphanet 791, MedGen C1864446, MONDO:0011272, OMIM 602772.

Allele frequency attached by ClinVar (database versions not stated): gnomAD exomes below 0.00001; ESP Exome Variant Server 0.00022.
gnomAD v4.1: 1 of 1,550,838 alleles (0.000064%); highest among the groups gnomAD compares: Non-Finnish European, 0.000087%; no homozygotes.

Submissions (9):

Labcorp Genetics (formerly Invitae), Labcorp
Classification: Pathogenic. Last evaluated: 2025-06-16. Review status: criteria provided, single submitter. Criteria: Invitae Variant Classification Sherloc (09022015). Collection method: clinical testing. Allele origin: germline.
Comment: This sequence change creates a premature translational stop signal (p.Cys685*) in the EYS gene. It is expected to result in an absent or disrupted protein product. Loss-of-function variants in EYS are known to be pathogenic (PMID: 18836446, 20333770). This variant is not present in population databases (gnomAD no frequency). This variant has not been reported in the literature in individuals affected with EYS-related conditions. ClinVar contains an entry for this variant (Variation ID: 194194). For these reasons, this variant has been classified as Pathogenic.

CeGaT Center for Human Genetics Tuebingen
Classification: Pathogenic. Last evaluated: 2025-06-01. Review status: criteria provided, single submitter. Criteria: CeGaT Center For Human Genetics Tuebingen Variant Classification Criteria Version 2. Collection method: clinical testing. Allele origin: germline. Affected: yes. Observed: 2 variant alleles.
Comment: EYS: PVS1, PM2, PM3:Supporting

Myriad Genetics, Inc.
Classification: Pathogenic for Retinitis pigmentosa 25. Last evaluated: 2024-05-14. Review status: criteria provided, single submitter. Criteria: Myriad Autosomal Dominant, Autosomal Recessive and X-Linked Classification Criteria (2023). Collection method: clinical testing. Allele origin: unknown.
Comment: NM_001142800.1(EYS):c.2055T>A(C685*) is expected to be pathogenic in the context of retinitis pigmentosa, EYS-related. This variant is predicted to lead to an abnormal or absent protein product due to the creation of a premature termination codon in EYS, a gene where loss-of-function variants are known to be pathogenic. Please note: this variant was assessed in the context of healthy population screening.

Natera, Inc.
Classification: Pathogenic for Retinitis pigmentosa type 25. Last evaluated: 2024-03-18. Review status: criteria provided, single submitter. Criteria: Natera Variant Classification Schema (03/2026). Collection method: clinical testing. Allele origin: germline.
Comment: The c.2055T>A variant in EYS is a nonsense variant predicted to introduce a stop codon at amino acid 685. This variant is expected to result in nonsense mediated decay, truncation, or a dysfunctional protein product. This variant is rare in the general population with a frequency below the threshold expected for the associated phenotype(s). This variant has been observed in one or more individuals affected with the associated recessive disease, as either homozygous or compound heterozygous with a second variant (PMID: 32531858). Given the available evidence, this variant is classified as Pathogenic.

Baylor Genetics
Classification: Pathogenic for Retinitis pigmentosa 25. Last evaluated: 2023-12-10. Review status: criteria provided, single submitter. Criteria: ACMG Guidelines, 2015. Collection method: clinical testing. Allele origin: unknown.

Blueprint Genetics
Classification: Likely pathogenic for EYS-related disorders. Last evaluated: 2022-10-31. Review status: criteria provided, single submitter. Criteria: ACMG Guidelines, 2015. Collection method: clinical testing. Allele origin: germline. Affected: yes. Observed: 1 variant allele.

GeneDx
Classification: Pathogenic. Last evaluated: 2022-08-08. Review status: criteria provided, single submitter. Criteria: GeneDx Variant Classification Process June 2021. Collection method: clinical testing. Allele origin: germline. Affected: yes.
Comment: Nonsense variant predicted to result in protein truncation or nonsense mediated decay in a gene for which loss of function is a known mechanism of disease; Not observed at significant frequency in large population cohorts (gnomAD); This variant is associated with the following publications: (PMID: 32531858)

Molecular Genetics Laboratory, Institute for Ophthalmic Research
Classification: Pathogenic for Retinitis pigmentosa. Last evaluated: 2020-01-09. Review status: criteria provided, single submitter. Criteria: ACMG Guidelines, 2015. Collection method: research. Allele origin: germline. Affected: yes.

Eurofins Ntd Llc (ga)
Classification: Pathogenic. Last evaluated: 2015-05-08. Review status: criteria provided, single submitter. Criteria: EGL Classification Definitions 2015. Collection method: clinical testing. Allele origin: germline. Observed: 1 variant allele, 1 heterozygote.

Literature cited by the submitters: PubMed 18836446 (cited by Labcorp Genetics (formerly Invitae), Labcorp); PubMed 20333770 (cited by Labcorp Genetics (formerly Invitae), Labcorp); PubMed 32531858 (cited by Natera, Inc.).